The following is an entry in ClinVar:

NM_005751.5(AKAP9):c.3055T>G (p.Leu1019Val)

Gene: AKAP9 (A-kinase anchoring protein 9; plus strand). Cytogenetic location: 7q21.2.
Variant type: single nucleotide variant.
Coding change: c.3055T>G on transcript NM_005751.5 (MANE Select); coding-DNA position 3055, T replaced by G.
Protein change: p.Leu1019Val; replaces leucine 1019 with valine.
Molecular consequence: missense variant.
Genome position (GRCh38, 1-based): chr7:92,002,972, T>G. VCF-style: chr7-92002972-T-G. GRCh37 (hg19) VCF-style: chr7-91632286-T-G.
Other names: c.3055T>G, p.Leu1019Val (NM_147185.3); short protein forms L1019V.
Identifiers: ClinVar variation 520514 (VCV000520514.11), dbSNP rs769686940, ClinGen allele CA4336235.
Genomic context (GRCh38, chr7:92,002,972, plus strand): 5'-ATCATTATTAACCACAACAGGGCAGAAAATGTACAGTCATGTGATACTCAAGTAAGCTCT[T>G]TATTAGATGGAGTTGTGACCATGACAAGCAGGGGTGCTGAAGGATCAGTTTCTAAAGTAA-3'
Protein context (NP_005742.4, residues 1009-1029): VQSCDTQVSS[Leu1019Val]LDGVVTMTSR

ClinVar aggregate classification (germline): Uncertain significance. Review status: criteria provided, multiple submitters, no conflicts (2 of 4 stars). 3 submissions from 3 submitters: Uncertain significance (3). Last evaluated 2026-01-27.

Conditions:
Cardiovascular phenotype. Identifiers: MedGen CN230736.
Long QT syndrome (LQTS). Identifiers: MedGen C0023976, MeSH D008133, MONDO:0002442. Disease mechanism: loss of function. Inheritance: Various modes of inheritance.

Allele frequency attached by ClinVar (database versions not stated): gnomAD 0.00001; gnomAD exomes 0.00001 and 0.00002; TOPMed 0.00001; ExAC 0.00002.
gnomAD v4.1: 17 of 1,613,236 alleles (0.0011%); highest among the groups gnomAD compares: Non-Finnish European, 0.0014%; no homozygotes.

Submissions (3):

Labcorp Genetics (formerly Invitae), Labcorp
Classification: Uncertain significance for Long QT syndrome. Last evaluated: 2026-01-27. Review status: criteria provided, single submitter. Criteria: Invitae Variant Classification Sherloc (09022015). Collection method: clinical testing. Allele origin: germline.
Comment: This sequence change replaces leucine, which is neutral and non-polar, with valine, which is neutral and non-polar, at codon 1019 of the AKAP9 protein (p.Leu1019Val). This variant is present in population databases (rs769686940, gnomAD 0.004%). This variant has not been reported in the literature in individuals affected with AKAP9-related conditions. ClinVar contains an entry for this variant (Variation ID: 520514). An algorithm developed to predict the effect of missense changes on protein structure and function (PolyPhen-2) suggests that this variant is likely to be tolerated. In summary, the available evidence is currently insufficient to determine the role of this variant in disease. Therefore, it has been classified as a Variant of Uncertain Significance.

Ambry Genetics
Classification: Uncertain significance for Cardiovascular phenotype. Last evaluated: 2023-07-24. Review status: criteria provided, single submitter. Criteria: Ambry Variant Classification Scheme 2023. Collection method: clinical testing. Allele origin: germline.
Comment: The p.L1019V variant (also known as c.3055T>G), located in coding exon 8 of the AKAP9 gene, results from a T to G substitution at nucleotide position 3055. The leucine at codon 1019 is replaced by valine, an amino acid with highly similar properties. This variant was detected in an arrhythmia genetic testing cohort; however, clinical details were limited, and additional cardiac variants were detected (van Lint FHM et al. Neth Heart J, 2019 Jun;27:304-309). This amino acid position is poorly conserved in available vertebrate species. In addition, this alteration is predicted to be tolerated by in silico analysis. Since supporting evidence is limited at this time, the clinical significance of this alteration remains unclear.

Molecular Diagnostic Laboratory for Inherited Cardiovascular Disease, Montreal Heart Institute
Classification: Uncertain significance for Congenital long QT syndrome. Last evaluated: 2017-05-23. Review status: criteria provided, single submitter. Criteria: ACMG Guidelines, 2015. Collection method: clinical testing. Allele origin: germline. Affected: yes.

Literature cited by the submitters: PubMed 30847666 (cited by Ambry Genetics).